The following is an entry in ClinVar:

ClinVar aggregate classification (germline): Uncertain significance (1 of 4 stars; one submission).

Conditions:
Congenital myasthenic syndrome 17. Identifiers: Orphanet 590, MedGen C4225377, MONDO:0014578, OMIM 616304.
Cenani-Lenz syndactyly syndrome. Also called: CENANI SYNDACTYLISM; SYNDACTYLY, TYPE VII. Identifiers: Orphanet 3258, MedGen C1859309, MONDO:0008931, OMIM 212780.
Sclerosteosis 2 (SOST2). Identifiers: Orphanet 3152, MedGen C3280402, MONDO:0013679, OMIM 614305.

gnomAD v4.1: 1 of 1,614,202 alleles (0.000062%); highest among the groups gnomAD compares: Non-Finnish European, 0.000085%; no homozygotes.

Submission:

Labcorp Genetics (formerly Invitae), Labcorp
Classification: Uncertain significance for Cenani-Lenz syndactyly syndrome; Sclerosteosis 2; Congenital myasthenic syndrome 17. Last evaluated: 2021-08-14. Review status: criteria provided, single submitter. Criteria: Invitae Variant Classification Sherloc (09022015). Collection method: clinical testing. Allele origin: germline.
Comment: This sequence change replaces arginine with histidine at codon 276 of the LRP4 protein (p.Arg276His). The arginine residue is highly conserved and there is a small physicochemical difference between arginine and histidine. This variant is not present in population databases (ExAC no frequency). This variant has not been reported in the literature in individuals affected with LRP4-related conditions. Algorithms developed to predict the effect of missense changes on protein structure and function are either unavailable or do not agree on the potential impact of this missense change (SIFT: "Deleterious"; PolyPhen-2: "Probably Damaging"; Align-GVGD: "Class C0"). In summary, the available evidence is currently insufficient to determine the role of this variant in disease. Therefore, it has been classified as a Variant of Uncertain Significance.

NM_002334.4(LRP4):c.827G>A (p.Arg276His)

Gene: LRP4 (LDL receptor related protein 4; minus strand). Cytogenetic location: 11p11.2.
Variant type: single nucleotide variant.
Coding change: c.827G>A on transcript NM_002334.4 (MANE Select); coding-DNA position 827, G replaced by A.
Protein change: p.Arg276His; replaces arginine 276 with histidine.
Molecular consequence: missense variant.
Genome position (GRCh38, 1-based): chr11:46,896,964, C>T on the plus strand (G>A on the coding strand, the complement: LRP4 is on the minus strand). VCF-style: chr11-46896964-C-T. GRCh37 (hg19) VCF-style: chr11-46918515-C-T.
Other names: short protein forms R276H.
Identifiers: ClinVar variation 1465985 (VCV001465985.5), dbSNP rs1592543038, ClinGen allele CA380288013.